The following is an entry in ClinVar:

NM_000090.4(COL3A1):c.1978-11C>T

Gene: COL3A1 (collagen type III alpha 1 chain; plus strand). Cytogenetic location: 2q32.2.
Variant type: single nucleotide variant.
Coding change: c.1978-11C>T on transcript NM_000090.4 (MANE Select); 11 bases into the intron before coding-DNA position 1978, C replaced by T.
Molecular consequence: intron variant.
Genome position (GRCh38, 1-based): chr2:188,998,663, C>T. VCF-style: chr2-188998663-C-T. GRCh37 (hg19) VCF-style: chr2-189863389-C-T.
Identifiers: ClinVar variation 136851 (VCV000136851.30), dbSNP rs13306272, ClinGen allele CA004801.

ClinVar aggregate classification (germline): Benign. Review status: criteria provided, multiple submitters, no conflicts (2 of 4 stars). 15 submissions from 14 submitters: Benign (11). 4 of the submissions do not count toward it. Last evaluated 2026-09-21.

Conditions:
Polymicrogyria with or without vascular-type Ehlers-Danlos syndrome. Identifiers: Orphanet 636941, MedGen C5193040, MONDO:0032688, OMIM 618343.
Familial thoracic aortic aneurysm and aortic dissection (TAAD). Also called: Thoracic aortic aneurysms and dissections. Identifiers: Orphanet 91387, MedGen C4707243, MONDO:0019625.
Ehlers-Danlos syndrome, type 4 (EDSVASC). Also called: Ehlers-Danlos syndrome vascular type; Ehlers Danlos syndrome, ecchymotic type; Ehlers Danlos syndrome, arterial type; Ehlers Danlos syndrome, Sack-Barabas type; Ehlers-Danlos Syndrome Type IV. Identifiers: Orphanet 286, MedGen C0268338, MONDO:0017314, OMIM 130050.

Allele frequency attached by ClinVar (database versions not stated): TOPMed 0.23488; gnomAD 0.23521 and 0.24031; ESP Exome Variant Server 0.24358; 1000 Genomes Project 0.24681; 1000 Genomes Project 30x 0.24859; gnomAD exomes 0.25534 and 0.26317; ExAC 0.26410.
gnomAD v4.1: 408,623 of 1,608,644 alleles (25%); highest among the groups gnomAD compares: Middle Eastern, 35%; 53,065 homozygotes.

Submissions (15):

Molecular Diagnostic Laboratory for Inherited Cardiovascular Disease, Montreal Heart Institute
Classification: Benign. Last evaluated: 2026-09-21. Review status: criteria provided, single submitter. Criteria: ACMG Guidelines, 2015. Collection method: clinical testing. Allele origin: germline. Affected: no.
Comment: BA1

Labcorp Genetics (formerly Invitae), Labcorp
Classification: Benign for Ehlers-Danlos syndrome, type 4. Last evaluated: 2026-02-04. Review status: criteria provided, single submitter. Criteria: Invitae Variant Classification Sherloc (09022015). Collection method: clinical testing. Allele origin: germline.

Blueprint Genetics
Classification: Benign. Last evaluated: 2024-11-26. Review status: criteria provided, single submitter. Criteria: ACMG Guidelines, 2015. Collection method: clinical testing. Allele origin: germline.

Genome-Nilou Lab
Classification: Benign for Ehlers-Danlos syndrome, type 4. Last evaluated: 2021-07-22. Review status: criteria provided, single submitter. Criteria: ACMG Guidelines, 2015. Collection method: clinical testing. Allele origin: germline. Affected: no.

Genome-Nilou Lab
Classification: Benign for Polymicrogyria with or without vascular-type Ehlers-Danlos syndrome. Last evaluated: 2021-07-22. Review status: criteria provided, single submitter. Criteria: ACMG Guidelines, 2015. Collection method: clinical testing. Allele origin: germline. Affected: no.

Color Diagnostics, LLC DBA Color Health
Classification: Benign for Familial thoracic aortic aneurysm and aortic dissection. Last evaluated: 2018-03-15. Review status: criteria provided, single submitter. Criteria: ACMG Guidelines, 2015. Collection method: clinical testing. Allele origin: germline.

Illumina Laboratory Services, Illumina
Classification: Benign for Ehlers-Danlos syndrome, type 4. Last evaluated: 2018-01-13. Review status: criteria provided, single submitter. Criteria: ICSL Variant Classification Criteria 13 December 2019. Collection method: clinical testing. Allele origin: germline.
Comment: This variant was observed in the ICSL laboratory as part of a predisposition screen in an ostensibly healthy population. It had not been previously curated by ICSL or reported in the Human Gene Mutation Database (HGMD: prior to June 1st, 2018), and was therefore a candidate for classification through an automated scoring system. Utilizing variant allele frequency, disease prevalence and penetrance estimates, and inheritance mode, an automated score was calculated to assess if this variant is too frequent to cause the disease. Based on the score and internal cut-off values, a variant classified as benign is not then subjected to further curation. The score for this variant resulted in a classification of benign for this disease.

Laboratory for Molecular Medicine, Mass General Brigham Personalized Medicine
Classification: Benign. Last evaluated: 2013-04-04. Review status: criteria provided, single submitter. Criteria: LMM Criteria. Collection method: clinical testing. Allele origin: germline. Observed: 10 variant alleles.
Comment: 1978-11C>T in intron 28 of COL3A1: This variant is not expected to have clinical significance because it has been identified in 26.1% (2242/8600) of European Am erican chromosomes from a broad population by the NHLBI Exome Sequencing Project (dbSNP rs13306272).

GeneDx
Classification: Benign. Last evaluated: 2012-11-13. Review status: criteria provided, single submitter. Criteria: GeneDx Variant Classification (06012015). Collection method: clinical testing. Allele origin: germline. Affected: yes.
Comment: This variant is considered likely benign or benign based on one or more of the following criteria: it is a conservative change, it occurs at a poorly conserved position in the protein, it is predicted to be benign by multiple in silico algorithms, and/or has population frequency not consistent with disease.

Breakthrough Genomics
Classification: Benign. Review status: criteria provided, single submitter. Criteria: ACMG Guidelines, 2015. Collection method: not provided. Allele origin: germline. Inheritance: Autosomal recessive inheritance. Affected: yes.

PreventionGenetics, part of Exact Sciences
Classification: Benign. Review status: criteria provided, single submitter. Criteria: ACMG Guidelines, 2015. Collection method: clinical testing. Allele origin: germline.

Cohesion Phenomics
Classification: Benign for Ehlers-Danlos syndrome, type 4. Last evaluated: 2022-09-23. Review status: no assertion criteria provided. Criteria: ACMG Guidelines, 2015. Collection method: clinical testing. Allele origin: germline. Affected: yes. Not counted in ClinVar's aggregate classification.

Clinical Genetics DNA and cytogenetics Diagnostics Lab, Erasmus MC, Erasmus Medical Center
Classification: Benign. Review status: no assertion criteria provided. Collection method: clinical testing. Allele origin: germline. Affected: yes. Study: VKGL Data-share Consensus. Not counted in ClinVar's aggregate classification.

Diagnostic Laboratory, Department of Genetics, University Medical Center Groningen
Classification: Benign. Review status: no assertion criteria provided. Collection method: clinical testing. Allele origin: germline. Affected: yes. Study: VKGL Data-share Consensus. Not counted in ClinVar's aggregate classification.

Genome Diagnostics Laboratory, Amsterdam University Medical Center
Classification: Benign. Review status: no assertion criteria provided. Collection method: clinical testing. Allele origin: germline. Affected: yes. Study: VKGL Data-share Consensus. Not counted in ClinVar's aggregate classification.